The following is an entry in ClinVar:

ClinVar aggregate classification (germline): Uncertain significance (1 of 4 stars; one submission).

gnomAD v4.1: 3 of 1,613,862 alleles (0.00019%); highest among the groups gnomAD compares: Admixed American, 0.005%; no homozygotes.

Submission:

Labcorp Genetics (formerly Invitae), Labcorp
Classification: Uncertain significance. Last evaluated: 2024-07-08. Review status: criteria provided, single submitter. Criteria: Invitae Variant Classification Sherloc (09022015). Collection method: clinical testing. Allele origin: germline.
Comment: This sequence change replaces serine, which is neutral and polar, with threonine, which is neutral and polar, at codon 353 of the CARD8 protein (p.Ser353Thr). This variant is present in population databases (rs756226722, gnomAD 0.006%). This variant has not been reported in the literature in individuals affected with CARD8-related conditions. An algorithm developed to predict the effect of missense changes on protein structure and function (PolyPhen-2) suggests that this variant is likely to be disruptive. In summary, the available evidence is currently insufficient to determine the role of this variant in disease. Therefore, it has been classified as a Variant of Uncertain Significance.

NM_001184900.3(CARD8):c.1207T>A (p.Ser403Thr)

Gene: CARD8 (caspase recruitment domain family member 8; minus strand). Cytogenetic location: 19q13.33.
Variant type: single nucleotide variant.
Coding change: c.1207T>A on transcript NM_001184900.3 (MANE Select); coding-DNA position 1207, T replaced by A.
Protein change: p.Ser403Thr; replaces serine 403 with threonine.
Molecular consequence: missense variant. On other transcripts: non-coding transcript variant (2), intron variant (7).
Genome position (GRCh38, 1-based): chr19:48,218,967, A>T on the plus strand (T>A on the coding strand, the complement: CARD8 is on the minus strand). VCF-style: chr19-48218967-A-T. GRCh37 (hg19) VCF-style: chr19-48722224-A-T.
Other names: c.846+2763T>A (NM_001351791.2, NM_001351792.2); c.1011+2763T>A (NM_001351788.2, NM_001351789.2); c.918+2763T>A (NM_001351790.2); c.1161+2763T>A (NM_001184902.2, NM_001184903.1); c.889T>A, p.Ser297Thr (NM_001365950.1); c.1057T>A, p.Ser353Thr (NM_014959.5, NM_001184901.1, NM_001351783.2); c.1207T>A, p.Ser403Thr (NM_001351782.2); c.892T>A, p.Ser298Thr (NM_001351784.2, NM_001351787.2); and 1 more; short protein forms S298T, S297T, S353T, S403T, S291T.
Identifiers: ClinVar variation 3632640 (VCV003632640.2).